The following is an entry in ClinVar:

NM_005324.5(H3-3B):c.23C>T (p.Ala8Val)

Gene: H3-3B (H3.3 histone B; minus strand). Cytogenetic location: 17q25.1.
Variant type: single nucleotide variant.
Coding change: c.23C>T on transcript NM_005324.5 (MANE Select); coding-DNA position 23, C replaced by T.
Protein change: p.Ala8Val; replaces alanine 8 with valine.
Molecular consequence: missense variant.
Genome position (GRCh38, 1-based): chr17:75,779,152, G>A on the plus strand (C>T on the coding strand, the complement: H3-3B is on the minus strand). VCF-style: chr17-75779152-G-A. GRCh37 (hg19) VCF-style: chr17-73775233-G-A.
Other names: short protein forms A8V.
Identifiers: ClinVar variation 521247 (VCV000521247.8), dbSNP rs1555585522, ClinGen allele CA401118846.
Genomic context (GRCh38, chr17:75,779,152, plus strand): 5'-TTCCTGGCGGCTTTCGTGGCCAGCTGTTTGCGGGGGGCTTTCCCACCGGTGGACTTACGA[G>A]CAGTCTGCTTGGTTCGGGCCATTTTCTTTCACCTAAGAAAGACGCCCCGAAGATAAGGCC-3'
Protein context (NP_005315.1, residues 1-18): MARTKQT[Ala8Val]RKSTGGKAPR

ClinVar aggregate classification (germline): Conflicting classifications of pathogenicity. Review status: criteria provided, conflicting classifications (1 of 4 stars). 4 submissions from 3 submitters: Pathogenic (1); Likely pathogenic (1); Uncertain significance (1). 1 of the submissions does not count toward it. Last evaluated 2023-06-09.

Conditions:
Bryant-Li-Bhoj neurodevelopmental syndrome 2 (BRYLIB2). Also called: H3-3B syndrome. Identifiers: MedGen C5676906, MONDO:0030607, OMIM 619721. Disease mechanism: loss of function.
Brain imaging abnormality. Identifiers: MedGen C2711610, HP:0410263.
Global developmental delay (DD). Also called: Cognitive delay. Identifiers: MedGen C0557874, HP:0001263. Disease mechanism: loss of function.
Delayed speech and language development. Also called: Language delay. Identifiers: MedGen C0454644, HP:0000750.
Short stature. Identifiers: MedGen C0349588, HP:0004322.
Intellectual disability. Also called: Intellectual developmental disorder; Intellectual functioning disability; intellectual disabilities. Identifiers: MedGen C3714756, MeSH D008607, MONDO:0001071, HP:0001249.
Inborn genetic diseases. Identifiers: MedGen C0950123, MeSH D030342.

Submissions (4):

Ambry Genetics
Classification: Pathogenic for Inborn genetic diseases. Last evaluated: 2023-06-09. Review status: criteria provided, single submitter. Criteria: Ambry Variant Classification Scheme 2023. Collection method: clinical testing. Allele origin: germline.
Comment: The c.23C>T (p.A8V) alteration is located in exon 2 (coding exon 1) of the H3F3B gene. This alteration results from a C to T substitution at nucleotide position 23, causing the alanine (A) at amino acid position 8 to be replaced by a valine (V). This variant was not reported in population-based cohorts in the Genome Aggregation Database (gnomAD). This variant was reported de novo in an individual with features consistent with H3-3-related neurodevelopmental disorder (Okur, 2021). This amino acid position is highly conserved in available vertebrate species. This missense alteration is located in a region that has a low rate of benign missense variation (Lek, 2016; Firth, 2009). Functional analysis to determine protein level was performed using HEK293T cells transiently transfected with the p.A8V alteration. The results did not show significantly altered protein level compared to the wild type (Okur, 2021). This alteration is predicted to be tolerated by in silico analysis. Based on the available evidence, this alteration is classified as pathogenic.

Baylor Genetics
Classification: Likely pathogenic for Bryant-Li-Bhoj neurodevelopmental syndrome 2. Last evaluated: 2022-11-19. Review status: criteria provided, single submitter. Criteria: ACMG Guidelines, 2015. Collection method: clinical testing. Allele origin: unknown.

GeneDx
Classification: Uncertain significance. Last evaluated: 2022-06-02. Review status: criteria provided, single submitter. Criteria: GeneDx Variant Classification Process June 2021. Collection method: clinical testing. Allele origin: germline. Affected: yes.
Comment: Not observed at significant frequency in large population cohorts (gnomAD); In silico analysis supports that this missense variant has a deleterious effect on protein structure/function; Has not been previously published as pathogenic or benign to our knowledge

Baylor Genetics
Classification: Likely pathogenic for Global developmental delay; Delayed speech and language development; Intellectual disability; Short stature; Brain imaging abnormality. Last evaluated: 2021-07-15. Review status: no assertion criteria provided. Collection method: research. Allele origin: de novo. Affected: yes. Observed: 1 variant allele. Not counted in ClinVar's aggregate classification.